The following is an entry in ClinVar:

NM_000742.4(CHRNA2):c.1328A>T (p.His443Leu)

Gene: CHRNA2 (cholinergic receptor nicotinic alpha 2 subunit; minus strand). Cytogenetic location: 8p21.2.
Variant type: single nucleotide variant.
Coding change: c.1328A>T on transcript NM_000742.4 (MANE Select); coding-DNA position 1328, A replaced by T.
Protein change: p.His443Leu; replaces histidine 443 with leucine.
Molecular consequence: missense variant.
Genome position (GRCh38, 1-based): chr8:27,463,115, T>A on the plus strand (A>T on the coding strand, the complement: CHRNA2 is on the minus strand). VCF-style: chr8-27463115-T-A. GRCh37 (hg19) VCF-style: chr8-27320632-T-A.
Other names: c.1283A>T, p.His428Leu (NM_001282455.2); c.851A>T, p.His284Leu (NM_001347705.2, NM_001347706.2); c.734A>T, p.His245Leu (NM_001347707.2, NM_001347708.2); short protein forms H245L, H284L, H428L, H443L.
Identifiers: ClinVar variation 3906506 (VCV003906506.1).

ClinVar aggregate classification (germline): Uncertain significance (1 of 4 stars; one submission).

Submission:

GeneDx
Classification: Uncertain significance. Last evaluated: 2024-12-22. Review status: criteria provided, single submitter. Criteria: GeneDx Variant Classification Process June 2021. Collection method: clinical testing. Allele origin: germline. Affected: yes.
Comment: Not observed at significant frequency in large population cohorts (gnomAD); In silico analysis indicates that this missense variant does not alter protein structure/function; Has not been previously published as pathogenic or benign to our knowledge